The following is an entry in ClinVar:

ClinVar aggregate classification (germline): Uncertain significance (1 of 4 stars; one submission).

Conditions:
Pitt-Hopkins-like syndrome 2 (PTHSL2). Identifiers: Orphanet 221150, Orphanet 600663, MedGen C3280479, MONDO:0013690, OMIM 614325.

Submission:

Labcorp Genetics (formerly Invitae), Labcorp
Classification: Uncertain significance for Pitt-Hopkins-like syndrome 2. Last evaluated: 2023-03-13. Review status: criteria provided, single submitter. Criteria: Invitae Variant Classification Sherloc (09022015). Collection method: clinical testing. Allele origin: germline.
Comment: This variant has not been reported in the literature in individuals affected with NRXN1-related conditions. This variant is not present in population databases (gnomAD no frequency). This sequence change replaces glycine, which is neutral and non-polar, with valine, which is neutral and non-polar, at codon 707 of the NRXN1 protein (p.Gly707Val). In summary, the available evidence is currently insufficient to determine the role of this variant in disease. Therefore, it has been classified as a Variant of Uncertain Significance. An algorithm developed to predict the effect of missense changes on protein structure and function (PolyPhen-2) suggests that this variant is likely to be disruptive.

NM_001330078.2(NRXN1):c.2000G>T (p.Gly667Val)

Gene: NRXN1 (neurexin 1; minus strand). Cytogenetic location: 2p16.3.
Variant type: single nucleotide variant.
Coding change: c.2000G>T on transcript NM_001330078.2 (MANE Select); coding-DNA position 2000, G replaced by T.
Protein change: p.Gly667Val; replaces glycine 667 with valine.
Molecular consequence: missense variant.
Genome position (GRCh38, 1-based): chr2:50,538,396, C>A on the plus strand (G>T on the coding strand, the complement: NRXN1 is on the minus strand). VCF-style: chr2-50538396-C-A. GRCh37 (hg19) VCF-style: chr2-50765534-C-A.
Other names: c.2120G>T, p.Gly707Val (NM_001135659.3); c.1976G>T, p.Gly659Val (NM_001330077.2, NM_001330082.2, NM_001330095.2); c.1961G>T, p.Gly654Val (NM_001330083.2, NM_001330084.2); c.2000G>T, p.Gly667Val (NM_001330085.2, NM_001330086.2, NM_004801.6); c.1916G>T, p.Gly639Val (NM_001330087.2, NM_001330096.2); c.1946G>T, p.Gly649Val (NM_001330088.2); c.1997G>T, p.Gly666Val (NM_001330093.2); c.1988G>T, p.Gly663Val (NM_001330094.2); short protein forms G659V, G639V, G667V, G649V, G654V, G663V, G666V, G707V.
Identifiers: ClinVar variation 2845444 (VCV002845444.3), dbSNP rs2465665922, ClinGen allele CA346770606.